The following is an entry in ClinVar:

NM_144573.4(NEXN):c.1690A>G (p.Ser564Gly)

Gene: NEXN (nexilin F-actin binding protein; plus strand). Cytogenetic location: 1p31.1.
Variant type: single nucleotide variant.
Coding change: c.1690A>G on transcript NM_144573.4 (MANE Select); coding-DNA position 1690, A replaced by G.
Protein change: p.Ser564Gly; replaces serine 564 with glycine.
Molecular consequence: missense variant.
Genome position (GRCh38, 1-based): chr1:77,942,491, A>G. VCF-style: chr1-77942491-A-G. GRCh37 (hg19) VCF-style: chr1-78408176-A-G.
Other names: c.1498A>G, p.Ser500Gly (NM_001172309.2); short protein forms S500G, S564G.
Identifiers: ClinVar variation 3919108 (VCV003919108.1).

ClinVar aggregate classification (germline): Uncertain significance (1 of 4 stars; one submission).

Conditions:
Cardiovascular phenotype. Identifiers: MedGen CN230736.

Submission:

Ambry Genetics
Classification: Uncertain significance for Cardiovascular phenotype. Last evaluated: 2025-05-26. Review status: criteria provided, single submitter. Criteria: Ambry Variant Classification Scheme 2023. Collection method: clinical testing. Allele origin: germline.
Comment: The p.S564G variant (also known as c.1690A>G), located in coding exon 12 of the NEXN gene, results from an A to G substitution at nucleotide position 1690. The serine at codon 564 is replaced by glycine, an amino acid with similar properties. This amino acid position is conserved. In addition, this alteration is predicted to be tolerated by in silico analysis. Based on the available evidence, the clinical significance of this variant remains unclear.